The following is an entry in ClinVar:

ClinVar aggregate classification (germline): Uncertain significance (1 of 4 stars; one submission).

Allele frequency attached by ClinVar (database versions not stated): ExAC 0.00003; ESP Exome Variant Server 0.00015.
gnomAD v4.1: 37 of 1,614,012 alleles (0.0023%); highest among the groups gnomAD compares: Middle Eastern, 0.016%; no homozygotes.

Submission:

Labcorp Genetics (formerly Invitae), Labcorp
Classification: Uncertain significance. Last evaluated: 2022-05-08. Review status: criteria provided, single submitter. Criteria: Invitae Variant Classification Sherloc (09022015). Collection method: clinical testing. Allele origin: germline.
Comment: In summary, the available evidence is currently insufficient to determine the role of this variant in disease. Therefore, it has been classified as a Variant of Uncertain Significance. Algorithms developed to predict the effect of missense changes on protein structure and function (SIFT, PolyPhen-2, Align-GVGD) all suggest that this variant is likely to be tolerated. This variant has not been reported in the literature in individuals affected with CLCN6-related conditions. This variant is present in population databases (rs150232531, gnomAD 0.004%). This sequence change replaces arginine, which is basic and polar, with glutamine, which is neutral and polar, at codon 583 of the CLCN6 protein (p.Arg583Gln).

NM_001286.5(CLCN6):c.1748G>A (p.Arg583Gln)

Gene: CLCN6 (chloride voltage-gated channel 6; plus strand). Cytogenetic location: 1p36.22.
Variant type: single nucleotide variant.
Coding change: c.1748G>A on transcript NM_001286.5 (MANE Select); coding-DNA position 1748, G replaced by A.
Protein change: p.Arg583Gln; replaces arginine 583 with glutamine.
Molecular consequence: missense variant. On other transcripts: non-coding transcript variant (1).
Genome position (GRCh38, 1-based): chr1:11,834,545, G>A. VCF-style: chr1-11834545-G-A. GRCh37 (hg19) VCF-style: chr1-11894602-G-A.
Other names: c.1682G>A, p.Arg561Gln (NM_001256959.2); short protein forms R561Q, R583Q.
Identifiers: ClinVar variation 2415962 (VCV002415962.6), dbSNP rs150232531, ClinGen allele CA596596.